The following is an entry in ClinVar:

NM_001270508.2(TNFAIP3):c.544G>A (p.Ala182Thr)

Genes: TNFAIP3 (TNF alpha induced protein 3; plus strand), LOC126859807 (MED14-independent group 3 enhancer GRCh37_chr6:138196296-138197495; plus strand). Cytogenetic location: 6q23.3.
Variant type: single nucleotide variant.
Coding change: c.544G>A on transcript NM_001270508.2 (MANE Select); coding-DNA position 544, G replaced by A.
Protein change: p.Ala182Thr; replaces alanine 182 with threonine.
Molecular consequence: missense variant.
Genome position (GRCh38, 1-based): chr6:137,875,745, G>A. VCF-style: chr6-137875745-G-A. GRCh37 (hg19) VCF-style: chr6-138196882-G-A.
Other names: c.544G>A, p.Ala182Thr (NM_001270507.2, NM_006290.4); short protein forms A182T.
Identifiers: ClinVar variation 4761735 (VCV004761735.1).

ClinVar aggregate classification (germline): Uncertain significance (1 of 4 stars; one submission).

gnomAD v4.1: 1 of 1,614,102 alleles (0.000062%); highest among the groups gnomAD compares: Non-Finnish European, 0.000085%; no homozygotes.

Submission:

Labcorp Genetics (formerly Invitae), Labcorp
Classification: Uncertain significance. Last evaluated: 2025-12-23. Review status: criteria provided, single submitter. Criteria: Invitae Variant Classification Sherloc (09022015). Collection method: clinical testing. Allele origin: germline.
Comment: This sequence change replaces alanine, which is neutral and non-polar, with threonine, which is neutral and polar, at codon 182 of the TNFAIP3 protein (p.Ala182Thr). This variant is not present in population databases (gnomAD no frequency). This variant has not been reported in the literature in individuals affected with TNFAIP3-related conditions. Invitae Evidence Modeling of protein sequence and biophysical properties (such as structural, functional, and spatial information, amino acid conservation, physicochemical variation, residue mobility, and thermodynamic stability) indicates that this missense variant is not expected to disrupt TNFAIP3 protein function with a negative predictive value of 80%. In summary, the available evidence is currently insufficient to determine the role of this variant in disease. Therefore, it has been classified as a Variant of Uncertain Significance.